The following is an entry in ClinVar:

NM_025179.4(PLXNA2):c.895G>A (p.Gly299Ser)

Gene: PLXNA2 (plexin A2; minus strand). Cytogenetic location: 1q32.2.
Variant type: single nucleotide variant.
Coding change: c.895G>A on transcript NM_025179.4 (MANE Select); coding-DNA position 895, G replaced by A.
Protein change: p.Gly299Ser; replaces glycine 299 with serine.
Molecular consequence: missense variant.
Genome position (GRCh38, 1-based): chr1:208,217,028, C>T on the plus strand (G>A on the coding strand, the complement: PLXNA2 is on the minus strand). VCF-style: chr1-208217028-C-T. GRCh37 (hg19) VCF-style: chr1-208390373-C-T.
Other names: short protein forms G299S.
Identifiers: ClinVar variation 3029113 (VCV003029113.2), dbSNP rs201815135, ClinGen allele CA1374010.
Genomic context (GRCh38, chr1:208,217,028, plus strand): 5'-CAGGCTTGGCCAGGTAAGCAGCCTGCAGGAGGCGGTATTCCACCCCGGCCCGGGTGCAGC[C>T]GAAGGGCAGGGACACGTATGAGTGGAACTTGGGGTCATCCTTGCAGAGCCGCACGATGCG-3'
Protein context (NP_079455.3, residues 289-309): KFHSYVSLPF[Gly299Ser]CTRAGVEYRL

ClinVar aggregate classification (germline): Uncertain significance (0 of 4 stars; one submission).

Conditions:
PLXNA2-related disorder. Also called: PLXNA2-related condition.

Allele frequency attached by ClinVar (database versions not stated): TOPMed below 0.00001; gnomAD 0.00001; gnomAD exomes 0.00001; ExAC 0.00002; 1000 Genomes Project 30x 0.00016; 1000 Genomes Project 0.00020.
gnomAD v4.1: 9 of 1,611,810 alleles (0.00056%); highest among the groups gnomAD compares: East Asian, 0.0045%; no homozygotes.

Submission:

PreventionGenetics, part of Exact Sciences
Classification: Uncertain significance for PLXNA2-related condition. Last evaluated: 2024-01-19. Review status: no assertion criteria provided. Collection method: clinical testing. Allele origin: germline.
Comment: The PLXNA2 c.895G>A variant is predicted to result in the amino acid substitution p.Gly299Ser. To our knowledge, this variant has not been reported in the literature. This variant is reported in 0.0062% of alleles in individuals of African descent in gnomAD. At this time, the clinical significance of this variant is uncertain due to the absence of conclusive functional and genetic evidence.